The following is an entry in ClinVar:

NM_015662.3(IFT172):c.1579T>C (p.Ser527Pro)

Gene: IFT172 (intraflagellar transport 172; minus strand). Cytogenetic location: 2p23.3.
Variant type: single nucleotide variant.
Coding change: c.1579T>C on transcript NM_015662.3 (MANE Select); coding-DNA position 1579, T replaced by C.
Protein change: p.Ser527Pro; replaces serine 527 with proline.
Molecular consequence: missense variant.
Genome position (GRCh38, 1-based): chr2:27,471,041, A>G on the plus strand (T>C on the coding strand, the complement: IFT172 is on the minus strand). VCF-style: chr2-27471041-A-G. GRCh37 (hg19) VCF-style: chr2-27693908-A-G.
Other names: c.1579T>C (NM_015662.2); short protein forms S527P.
Identifiers: ClinVar variation 1353749 (VCV001353749.9), dbSNP rs771614435, ClinGen allele CA1580586.

ClinVar aggregate classification (germline): Uncertain significance. Review status: criteria provided, single submitter (1 of 4 stars). 2 submissions from 2 submitters: Uncertain significance (1). 1 of the submissions does not count toward it. Last evaluated 2021-09-19.

Conditions:
IFT172-related disorder. Also called: IFT172-related disorders; IFT172-related condition.
Retinitis pigmentosa 71 (RP71). Identifiers: Orphanet 791, MedGen C4225342, MONDO:0014618, OMIM 616394.
Short-rib thoracic dysplasia 10 with or without polydactyly (SRTD10). Identifiers: Orphanet 474, MedGen C3810175, MONDO:0014284, OMIM 615630.

Allele frequency attached by ClinVar (database versions not stated): gnomAD exomes below 0.00001 and 0.00001; TOPMed below 0.00001; ExAC 0.00001; gnomAD 0.00001.
gnomAD v4.1: 6 of 1,613,010 alleles (0.00037%); highest among the groups gnomAD compares: Non-Finnish European, 0.00051%; no homozygotes.

Submissions (2):

Labcorp Genetics (formerly Invitae), Labcorp
Classification: Uncertain significance for Retinitis pigmentosa 71; Short-rib thoracic dysplasia 10 with or without polydactyly. Last evaluated: 2021-09-19. Review status: criteria provided, single submitter. Criteria: Invitae Variant Classification Sherloc (09022015). Collection method: clinical testing. Allele origin: germline.
Comment: This sequence change replaces serine with proline at codon 527 of the IFT172 protein (p.Ser527Pro). The serine residue is moderately conserved and there is a moderate physicochemical difference between serine and proline. This variant is present in population databases (rs771614435, ExAC 0.001%). In summary, the available evidence is currently insufficient to determine the role of this variant in disease. Therefore, it has been classified as a Variant of Uncertain Significance. Algorithms developed to predict the effect of missense changes on protein structure and function are either unavailable or do not agree on the potential impact of this missense change (SIFT: "Deleterious"; PolyPhen-2: "Benign"; Align-GVGD: "Class C0"). This variant has not been reported in the literature in individuals affected with IFT172-related conditions.

PreventionGenetics, part of Exact Sciences
Classification: Uncertain significance for IFT172-related condition. Last evaluated: 2023-11-15. Review status: no assertion criteria provided. Collection method: clinical testing. Allele origin: germline. Not counted in ClinVar's aggregate classification.
Comment: The IFT172 c.1579T>C variant is predicted to result in the amino acid substitution p.Ser527Pro. To our knowledge, this variant has not been reported in the literature. This variant is reported in 0.0018% of alleles in individuals of European (Non-Finnish) descent in gnomAD. At this time, the clinical significance of this variant is uncertain due to the absence of conclusive functional and genetic evidence.